The following is an entry in ClinVar:

NM_004260.4(RECQL4):c.374G>A (p.Arg125His)

Gene: RECQL4 (RecQ like helicase 4; minus strand). Cytogenetic location: 8q24.3.
Variant type: single nucleotide variant.
Coding change: c.374G>A on transcript NM_004260.4 (MANE Select); coding-DNA position 374, G replaced by A.
Protein change: p.Arg125His; replaces arginine 125 with histidine.
Molecular consequence: missense variant.
Genome position (GRCh38, 1-based): chr8:144,516,745, C>T on the plus strand (G>A on the coding strand, the complement: RECQL4 is on the minus strand). VCF-style: chr8-144516745-C-T. GRCh37 (hg19) VCF-style: chr8-145742129-C-T.
Other names: c.374G>A, p.Arg125His (NM_001413017.1, NM_001413018.1, NM_001413019.1 and 4 more transcripts); c.-698G>A (NM_001413022.1, NM_001413023.1, NM_001413037.1 and 3 more transcripts); c.245G>A, p.Arg82His (NM_001413025.1); c.-760G>A (NM_001413027.1, NM_001413030.1, NM_001413031.1 and 1 more transcripts); c.-423G>A (NM_001413028.1); c.-602G>A (NM_001413034.1); c.-967G>A (NM_001413043.1); short protein forms R125H, R82H.
Identifiers: ClinVar variation 1985565 (VCV001985565.4), dbSNP rs1471747772, ClinGen allele CA372691721.

ClinVar aggregate classification (germline): Uncertain significance (1 of 4 stars; one submission).

Conditions:
Baller-Gerold syndrome (BGS). Also called: CRANIOSYNOSTOSIS WITH RADIAL DEFECTS. Identifiers: Orphanet 1225, MedGen C0265308, MONDO:0009039, OMIM 218600.

Submission:

Labcorp Genetics (formerly Invitae), Labcorp
Classification: Uncertain significance for Baller-Gerold syndrome. Last evaluated: 2022-05-04. Review status: criteria provided, single submitter. Criteria: Invitae Variant Classification Sherloc (09022015). Collection method: clinical testing. Allele origin: germline.
Comment: In summary, the available evidence is currently insufficient to determine the role of this variant in disease. Therefore, it has been classified as a Variant of Uncertain Significance. Experimental studies and prediction algorithms are not available or were not evaluated, and the functional significance of this variant is currently unknown. This variant has not been reported in the literature in individuals affected with RECQL4-related conditions. This variant is not present in population databases (gnomAD no frequency). This sequence change replaces arginine, which is basic and polar, with histidine, which is basic and polar, at codon 125 of the RECQL4 protein (p.Arg125His).